The following is an entry in ClinVar:

NM_001114748.2(TMEM240):c.164+5G>A

Gene: TMEM240 (transmembrane protein 240; minus strand). Cytogenetic location: 1p36.33.
Variant type: single nucleotide variant.
Coding change: c.164+5G>A on transcript NM_001114748.2 (MANE Select); 5 bases into the intron after coding-DNA position 164, G replaced by A.
Molecular consequence: intron variant.
Genome position (GRCh38, 1-based): chr1:1,539,679, C>T on the plus strand (G>A on the coding strand, the complement: TMEM240 is on the minus strand). VCF-style: chr1-1539679-C-T. GRCh37 (hg19) VCF-style: chr1-1475059-C-T.
Identifiers: ClinVar variation 3340890 (VCV003340890.1).

ClinVar aggregate classification (germline): Uncertain significance (1 of 4 stars; one submission).

Submission:

GeneDx
Classification: Uncertain significance. Last evaluated: 2023-11-01. Review status: criteria provided, single submitter. Criteria: GeneDx Variant Classification Process June 2021. Collection method: clinical testing. Allele origin: germline. Affected: yes.
Comment: Not observed in large population cohorts (gnomAD); In silico analysis supports a deleterious effect on splicing; Has not been previously published as pathogenic or benign to our knowledge.